The following is an entry in ClinVar:

NM_012414.4(RAB3GAP2):c.2039T>C (p.Leu680Pro)

Gene: RAB3GAP2 (RAB3 GTPase activating non-catalytic protein subunit 2; minus strand). Cytogenetic location: 1q41.
Variant type: single nucleotide variant.
Coding change: c.2039T>C on transcript NM_012414.4 (MANE Select); coding-DNA position 2039, T replaced by C.
Protein change: p.Leu680Pro; replaces leucine 680 with proline.
Molecular consequence: missense variant.
Genome position (GRCh38, 1-based): chr1:220,182,891, A>G on the plus strand (T>C on the coding strand, the complement: RAB3GAP2 is on the minus strand). VCF-style: chr1-220182891-A-G. GRCh37 (hg19) VCF-style: chr1-220356233-A-G.
Other names: p.Leu680Pro; short protein forms L680P.
Identifiers: ClinVar variation 4542264 (VCV004542264.1).

ClinVar aggregate classification (germline): Uncertain significance (1 of 4 stars; one submission).

gnomAD v4.1: 22 of 1,613,482 alleles (0.0014%); no homozygotes.

Submission:

Mayo Clinic Laboratories, Mayo Clinic
Classification: Uncertain significance. Last evaluated: 2025-10-17. Review status: criteria provided, single submitter. Criteria: ACMG Guidelines, 2015. Collection method: clinical testing. Allele origin: germline. Observed: 1 variant allele.
Comment: BP4_moderate